The following is an entry in ClinVar:

ClinVar aggregate classification (germline): Uncertain significance. Review status: criteria provided, multiple submitters, no conflicts (2 of 4 stars). 2 submissions from 2 submitters: Uncertain significance (2). Last evaluated 2025-11-20.

Allele frequency attached by ClinVar (database versions not stated): gnomAD exomes below 0.00001; TOPMed below 0.00001.

Submissions (2):

Ambry Genetics
Classification: Uncertain significance. Last evaluated: 2025-11-20. Review status: criteria provided, single submitter. Criteria: Ambry Variant Classification Scheme 2023. Collection method: clinical testing. Allele origin: germline.

Labcorp Genetics (formerly Invitae), Labcorp
Classification: Uncertain significance. Last evaluated: 2024-07-22. Review status: criteria provided, single submitter. Criteria: Invitae Variant Classification Sherloc (09022015). Collection method: clinical testing. Allele origin: germline.
Comment: This sequence change replaces aspartic acid, which is acidic and polar, with asparagine, which is neutral and polar, at codon 173 of the CYC1 protein (p.Asp173Asn). This variant is not present in population databases (gnomAD no frequency). This variant has not been reported in the literature in individuals affected with CYC1-related conditions. ClinVar contains an entry for this variant (Variation ID: 2422103). Advanced modeling of protein sequence and biophysical properties (such as structural, functional, and spatial information, amino acid conservation, physicochemical variation, residue mobility, and thermodynamic stability) performed at Invitae indicates that this missense variant is expected to disrupt CYC1 protein function with a positive predictive value of 80%. In summary, the available evidence is currently insufficient to determine the role of this variant in disease. Therefore, it has been classified as a Variant of Uncertain Significance.

NM_001916.5(CYC1):c.517G>A (p.Asp173Asn)

Gene: CYC1 (cytochrome c1; plus strand). Cytogenetic location: 8q24.3.
Variant type: single nucleotide variant.
Coding change: c.517G>A on transcript NM_001916.5 (MANE Select); coding-DNA position 517, G replaced by A.
Protein change: p.Asp173Asn; replaces aspartic acid 173 with asparagine.
Molecular consequence: missense variant.
Genome position (GRCh38, 1-based): chr8:144,096,400, G>A. VCF-style: chr8-144096400-G-A. GRCh37 (hg19) VCF-style: chr8-145151303-G-A.
Other names: c.517G>A (NM_001916.3); short protein forms D173N.
Identifiers: ClinVar variation 2422103 (VCV002422103.7), dbSNP rs1457713177, ClinGen allele CA372523407.